The following is an entry in ClinVar:

ClinVar aggregate classification (germline): Uncertain significance (1 of 4 stars; one submission).

Conditions:
Glycogen storage disease due to muscle beta-enolase deficiency (GSD13). Also called: ENOLASE 3 DEFICIENCY; ENOLASE-BETA DEFICIENCY; GSD XIII; Glycogen Storage Disease Type XIII. Identifiers: Orphanet 99849, MedGen C2752027, MONDO:0013046, OMIM 612932.

Submission:

Labcorp Genetics (formerly Invitae), Labcorp
Classification: Uncertain significance for Glycogen storage disease due to muscle beta-enolase deficiency. Last evaluated: 2022-04-06. Review status: criteria provided, single submitter. Criteria: Invitae Variant Classification Sherloc (09022015). Collection method: clinical testing. Allele origin: germline.
Comment: In summary, the available evidence is currently insufficient to determine the role of this variant in disease. Therefore, it has been classified as a Variant of Uncertain Significance. Algorithms developed to predict the effect of missense changes on protein structure and function (SIFT, PolyPhen-2, Align-GVGD) all suggest that this variant is likely to be tolerated. This variant has not been reported in the literature in individuals affected with ENO3-related conditions. This variant is not present in population databases (gnomAD no frequency). This sequence change replaces aspartic acid, which is acidic and polar, with glutamic acid, which is acidic and polar, at codon 419 of the ENO3 protein (p.Asp419Glu).

NM_053013.4(ENO3):c.1257C>A (p.Asp419Glu)

Gene: ENO3 (enolase 3; plus strand). Cytogenetic location: 17p13.2.
Variant type: single nucleotide variant.
Coding change: c.1257C>A on transcript NM_053013.4 (MANE Select); coding-DNA position 1257, C replaced by A.
Protein change: p.Asp419Glu; replaces aspartic acid 419 with glutamic acid.
Molecular consequence: missense variant.
Genome position (GRCh38, 1-based): chr17:4,956,999, C>A. VCF-style: chr17-4956999-C-A. GRCh37 (hg19) VCF-style: chr17-4860294-C-A.
Other names: c.1128C>A, p.Asp376Glu (NM_001193503.2); c.1257C>A, p.Asp419Glu (NM_001374523.1, NM_001976.5); c.1284C>A, p.Asp428Glu (NM_001374524.1); short protein forms D419E, D428E, D376E.
Identifiers: ClinVar variation 2159335 (VCV002159335.4), dbSNP rs2507722570, ClinGen allele CA397295995.